The following is an entry in ClinVar:

ClinVar aggregate classification (germline): Uncertain significance (1 of 4 stars; one submission).

Allele frequency attached by ClinVar (database versions not stated): gnomAD 0.00001.
gnomAD v4.1: 1 of 1,614,002 alleles (0.000062%); highest among the groups gnomAD compares: African/African-American, 0.0013%; no homozygotes.

Submission:

Labcorp Genetics (formerly Invitae), Labcorp
Classification: Uncertain significance. Last evaluated: 2022-08-15. Review status: criteria provided, single submitter. Criteria: Invitae Variant Classification Sherloc (09022015). Collection method: clinical testing. Allele origin: germline.
Comment: This variant is present in population databases (no rsID available, gnomAD 0.01%). This sequence change replaces lysine with threonine at codon 249 of the FN1 protein (p.Lys249Thr). The lysine residue is moderately conserved and there is a moderate physicochemical difference between lysine and threonine. ClinVar contains an entry for this variant (Variation ID: 1464396). This variant has not been reported in the literature in individuals affected with FN1-related conditions. In summary, the available evidence is currently insufficient to determine the role of this variant in disease. Therefore, it has been classified as a Variant of Uncertain Significance. Algorithms developed to predict the effect of missense changes on protein structure and function are either unavailable or do not agree on the potential impact of this missense change (SIFT: "Not Available"; PolyPhen-2: "Possibly Damaging"; Align-GVGD: "Not Available").

NM_212482.4(FN1):c.746A>C (p.Lys249Thr)

Gene: FN1 (fibronectin 1; minus strand). Cytogenetic location: 2q35.
Variant type: single nucleotide variant.
Coding change: c.746A>C on transcript NM_212482.4 (MANE Select); coding-DNA position 746, A replaced by C.
Protein change: p.Lys249Thr; replaces lysine 249 with threonine.
Molecular consequence: missense variant.
Genome position (GRCh38, 1-based): chr2:215,428,278, T>G on the plus strand (A>C on the coding strand, the complement: FN1 is on the minus strand). VCF-style: chr2-215428278-T-G. GRCh37 (hg19) VCF-style: chr2-216293001-T-G.
Other names: c.746A>C, p.Lys249Thr (NM_001365523.2, NM_001365524.2, NM_002026.4 and 14 more transcripts); short protein forms K249T.
Identifiers: ClinVar variation 1464396 (VCV001464396.6), dbSNP rs1436052369, ClinGen allele CA350474035.